The following is an entry in ClinVar:

NM_032043.3(BRIP1):c.761_764del (p.Lys254fs)

Gene: BRIP1 (BRCA1 interacting DNA helicase 1; minus strand). Cytogenetic location: 17q23.2.
Variant type: Deletion.
Coding change: c.761_764del on transcript NM_032043.3 (MANE Select); coding-DNA positions 761 to 764, 4 bases deleted (AGCA; older notation c.761_764delAGCA).
Protein change: p.Lys254fs; shifts the reading frame from lysine 254.
Molecular consequence: frameshift variant.
Genome position (GRCh38, 1-based): chr17:61,808,621-61,808,624, TGCT deleted on the plus strand (AGCA on the coding strand, the reverse complement: BRIP1 is on the minus strand); deleting any 4 consecutive bases within chr17:61,808,621-61,808,626 gives the same sequence; the c. name uses the placement nearest the transcript's 3' end. VCF-style (leftmost placement, unchanged base first): chr17-61808620-CTGCT-C. GRCh37 (hg19) VCF-style: chr17-59885981-CTGCT-C.
Other names: short protein forms K254fs.
Identifiers: ClinVar variation 915876 (VCV000915876.13), dbSNP rs2078112057, ClinGen allele CA1139665797.

ClinVar aggregate classification (germline): Pathogenic. Review status: criteria provided, multiple submitters, no conflicts (2 of 4 stars). 7 submissions from 7 submitters: Pathogenic (6). 1 of the submissions does not count toward it. Last evaluated 2024-05-08.

Conditions:
Familial ovarian cancer. Identifiers: MedGen C5679802, MONDO:0016248.
Familial cancer of breast. Also called: BREAST CANCER, FAMILIAL; Hereditary breast cancer; hereditary breast carcinoma. Identifiers: Orphanet 227535, MedGen C0346153, MONDO:0016419, OMIM 114480. Disease mechanism: loss of function.
Fanconi anemia complementation group J. Also called: BRIP1-Related Fanconi Anemia. Identifiers: Orphanet 84, MedGen C1836860, MONDO:0012187, OMIM 609054.
Hereditary cancer-predisposing syndrome. Also called: Hereditary Cancer Syndrome; Tumor predisposition; Hereditary neoplastic syndrome; Neoplastic Syndromes, Hereditary. Identifiers: Orphanet 140162, MedGen C0027672, MeSH D009386, MONDO:0015356.

Submissions (7):

Color Diagnostics, LLC DBA Color Health
Classification: Pathogenic for Hereditary cancer-predisposing syndrome. Last evaluated: 2024-05-08. Review status: criteria provided, single submitter. Criteria: ACMG Guidelines, 2015. Collection method: clinical testing. Allele origin: germline.
Comment: This variant deletes 4 nucleotides in exon 7 of the BRIP1 gene, creating a frameshift and premature translation stop signal. This variant is expected to result in an absent or non-functional protein product. This variant has been observed in trans with BRIP1 c.205+5G>T in an individual affected with autosomal recessive Fanconi anemia (PMID: 33224012), indicating that this variant contributes to disease. This variant has not been identified in the general population by the Genome Aggregation Database (gnomAD). Loss of BRIP1 function is a known mechanism of disease. Based on the available evidence, this variant is classified as Pathogenic.

Ambry Genetics
Classification: Pathogenic for Hereditary cancer-predisposing syndrome. Last evaluated: 2024-02-21. Review status: criteria provided, single submitter. Criteria: Ambry Variant Classification Scheme 2023. Collection method: clinical testing. Allele origin: germline.
Comment: The c.761_764delAGCA pathogenic mutation, located in coding exon 6 of the BRIP1 gene, results from a deletion of 4 nucleotides at nucleotide positions 761 to 764, causing a translational frameshift with a predicted alternate stop codon (p.K254Rfs*19). This alteration is expected to result in loss of function by premature protein truncation or nonsense-mediated mRNA decay. This variant has been identified in conjunction with another BRIP1 variant in an individual with features consistent with BRIP1-related Fanconi Anemia (FA-J) (Toksoy G et al. Mol Syndromol, 2020 Nov;11:183-196). This variant is considered to be rare based on population cohorts in the Genome Aggregation Database (gnomAD). As such, this alteration is interpreted as a disease-causing mutation.

Baylor Genetics
Classification: Pathogenic for Familial cancer of breast. Last evaluated: 2023-08-29. Review status: criteria provided, single submitter. Criteria: ACMG Guidelines, 2015. Collection method: clinical testing. Allele origin: unknown.

Myriad Genetics, Inc.
Classification: Pathogenic for Familial cancer of breast. Last evaluated: 2023-05-31. Review status: criteria provided, single submitter. Criteria: Myriad Autosomal Dominant, Autosomal Recessive and X-Linked Classification Criteria (2023). Collection method: clinical testing. Allele origin: unknown.
Comment: This variant is considered pathogenic. This variant creates a frameshift predicted to result in premature protein truncation.

Labcorp Genetics (formerly Invitae), Labcorp
Classification: Pathogenic for Familial cancer of breast; Fanconi anemia complementation group J. Last evaluated: 2022-03-15. Review status: criteria provided, single submitter. Criteria: Invitae Variant Classification Sherloc (09022015). Collection method: clinical testing. Allele origin: germline.
Comment: This sequence change creates a premature translational stop signal (p.Lys254Argfs*19) in the BRIP1 gene. It is expected to result in an absent or disrupted protein product. Loss-of-function variants in BRIP1 are known to be pathogenic (PMID: 16116423, 17033622, 21964575). For these reasons, this variant has been classified as Pathogenic. ClinVar contains an entry for this variant (Variation ID: 915876). This premature translational stop signal has been observed in individual(s) with clinical features of Fanconi anemia (PMID: 33224012). This variant is not present in population databases (gnomAD no frequency).

Department of Pathology and Laboratory Medicine, Sinai Health System
Classification: Pathogenic for familial ovarian cancer. Last evaluated: 2022-03-11. Review status: criteria provided, single submitter. Criteria: ACMG Guidelines, 2015. Collection method: clinical testing. Allele origin: germline. Affected: no.

Istanbul Faculty of Medicine, Istanbul University
Classification: Likely pathogenic for Fanconi anemia, complementation group J. Last evaluated: 2020-03-17. Review status: no assertion criteria provided. Collection method: clinical testing. Allele origin: germline. Affected: yes. Observed: 1 variant allele. Not counted in ClinVar's aggregate classification.
Comment: Segregates in family

Literature cited by the submitters: PubMed 33224012 (cited by 3 submitters); PubMed 16116423 (cited by Labcorp Genetics (formerly Invitae), Labcorp); PubMed 17033622 (cited by Labcorp Genetics (formerly Invitae), Labcorp); PubMed 21964575 (cited by Labcorp Genetics (formerly Invitae), Labcorp); DOI 10.1159/000509838 (cited by Istanbul Faculty of Medicine, Istanbul University).